The following is an entry in ClinVar:

ClinVar aggregate classification (germline): Likely benign. Review status: criteria provided, multiple submitters, no conflicts (2 of 4 stars). 2 submissions from 2 submitters: Likely benign (2). Last evaluated 2025-11-13.

Allele frequency attached by ClinVar (database versions not stated): gnomAD exomes below 0.00001; TOPMed 0.00001; ExAC 0.00002.
gnomAD v4.1: 1 of 1,614,116 alleles (0.000062%); highest among the groups gnomAD compares: Non-Finnish European, 0.000085%; no homozygotes.

Submissions (2):

Labcorp Genetics (formerly Invitae), Labcorp
Classification: Likely benign. Last evaluated: 2025-11-13. Review status: criteria provided, single submitter. Criteria: Invitae Variant Classification Sherloc (09022015). Collection method: clinical testing. Allele origin: germline.

CeGaT Center for Human Genetics Tuebingen
Classification: Likely benign. Last evaluated: 2022-11-01. Review status: criteria provided, single submitter. Criteria: CeGaT Center For Human Genetics Tuebingen Variant Classification Criteria Version 2. Collection method: clinical testing. Allele origin: germline. Affected: yes. Observed: 1 variant allele.
Comment: CAMK2B: BP4, BP7

NM_001220.5(CAMK2B):c.768C>T (p.Asn256=)

Gene: CAMK2B (calcium/calmodulin dependent protein kinase II beta; minus strand). Cytogenetic location: 7p13.
Variant type: single nucleotide variant.
Coding change: c.768C>T on transcript NM_001220.5 (MANE Select); coding-DNA position 768, C replaced by T.
Protein change: p.Asn256=; no amino-acid change (asparagine 256 retained).
Molecular consequence: synonymous variant.
Genome position (GRCh38, 1-based): chr7:44,242,269, G>A on the plus strand (C>T on the coding strand, the complement: CAMK2B is on the minus strand). VCF-style: chr7-44242269-G-A. GRCh37 (hg19) VCF-style: chr7-44281868-G-A.
Other names: c.768C>T, p.Asn256= (NM_001293170.2, NM_172078.3, NM_172079.3 and 5 more transcripts).
Identifiers: ClinVar variation 2657427 (VCV002657427.27), dbSNP rs764520266, ClinGen allele CA4240597.